The following is an entry in ClinVar:

NM_058004.4(PI4KA):c.1076A>G (p.Asn359Ser)

Gene: PI4KA (phosphatidylinositol 4-kinase alpha; minus strand). Cytogenetic location: 22q11.21.
Variant type: single nucleotide variant.
Coding change: c.1076A>G on transcript NM_058004.4 (MANE Select); coding-DNA position 1076, A replaced by G.
Protein change: p.Asn359Ser; replaces asparagine 359 with serine.
Molecular consequence: missense variant.
Genome position (GRCh38, 1-based): chr22:20,807,454, T>C on the plus strand (A>G on the coding strand, the complement: PI4KA is on the minus strand). VCF-style: chr22-20807454-T-C. GRCh37 (hg19) VCF-style: chr22-21161742-T-C.
Other names: c.1076A>G, p.Asn359Ser (NM_001362862.2); c.1010A>G, p.Asn337Ser (NM_001362863.2); short protein forms N359S, N337S.
Identifiers: ClinVar variation 1030110 (VCV001030110.1), dbSNP rs1935729656, ClinGen allele CA410761408.

ClinVar aggregate classification (germline): Uncertain significance (1 of 4 stars; one submission).

Conditions:
Polymicrogyria, perisylvian, with cerebellar hypoplasia and arthrogryposis (NEDSPLB). Identifiers: MedGen C4225295, MONDO:0014679, OMIM 616531.

Submission:

Baylor Genetics
Classification: Uncertain significance for Polymicrogyria, perisylvian, with cerebellar hypoplasia and arthrogryposis. Last evaluated: 2020-06-03. Review status: criteria provided, single submitter. Criteria: ACMG Guidelines, 2015. Collection method: clinical testing. Allele origin: unknown. Affected: yes.
Comment: This variant was determined to be of uncertain significance according to ACMG Guidelines, 2015 [PMID:25741868].